The following is an entry in ClinVar:

NM_024298.5(MBOAT7):c.885C>T (p.Asp295=)

Gene: MBOAT7 (membrane bound acylglycerophosphatidylinositol O-acyltransferase MBOAT7; minus strand). Cytogenetic location: 19q13.42.
Variant type: single nucleotide variant.
Coding change: c.885C>T on transcript NM_024298.5 (MANE Select); coding-DNA position 885, C replaced by T.
Protein change: p.Asp295=; no amino-acid change (aspartic acid 295 retained).
Molecular consequence: synonymous variant.
Genome position (GRCh38, 1-based): chr19:54,178,911, G>A on the plus strand (C>T on the coding strand, the complement: MBOAT7 is on the minus strand). VCF-style: chr19-54178911-G-A. GRCh37 (hg19) VCF-style: chr19-54682628-G-A.
Other names: c.666C>T, p.Asp222= (NM_001146056.3, NM_001146083.3); c.885C>T, p.Asp295= (NM_001146082.3).
Identifiers: ClinVar variation 3050314 (VCV003050314.17), dbSNP rs146777664, ClinGen allele CA309346283.
Genomic context (GRCh38, chr19:54,178,911, plus strand): 5'-ATCGCGCACCCGCACGCAGAAATCTGTGCTGTAGCAGTCGATGTTGCGGATGGTCTCATA[G>A]TCATACTCCAAGGAAGCCGCCTTCTCCGGACTGGGGGGTGGAGGATGAGGGTGGGGGACA-3'
Protein context (NP_077274.3, residues 285-305): SPEKAASLEY[Asp295=]YETIRNIDCY

ClinVar aggregate classification (germline): Likely benign. Review status: criteria provided, multiple submitters, no conflicts (2 of 4 stars). 3 submissions from 3 submitters: Likely benign (2). 1 of the submissions does not count toward it. Last evaluated 2024-11-01.

Conditions:
MBOAT7-related disorder. Also called: MBOAT7-related condition.

Allele frequency attached by ClinVar (database versions not stated): 1000 Genomes Project 0.00020; ESP Exome Variant Server 0.00023; gnomAD 0.00023; 1000 Genomes Project 30x 0.00031; ExAC 0.00046; gnomAD exomes 0.00052.
gnomAD v4.1: 797 of 1,613,322 alleles (0.049%); highest among the groups gnomAD compares: Non-Finnish European, 0.062%; no homozygotes.

Submissions (3):

CeGaT Center for Human Genetics Tuebingen
Classification: Likely benign. Last evaluated: 2024-11-01. Review status: criteria provided, single submitter. Criteria: CeGaT Center For Human Genetics Tuebingen Variant Classification Criteria Version 2. Collection method: clinical testing. Allele origin: germline. Affected: yes. Observed: 2 variant alleles.
Comment: MBOAT7: BP4, BP7

Blueprint Genetics
Classification: Likely benign. Last evaluated: 2024-08-08. Review status: criteria provided, single submitter. Criteria: ACMG Guidelines, 2015. Collection method: clinical testing. Allele origin: germline.

PreventionGenetics, part of Exact Sciences
Classification: Likely benign for MBOAT7-related condition. Last evaluated: 2024-02-22. Review status: no assertion criteria provided. Collection method: clinical testing. Allele origin: germline. Not counted in ClinVar's aggregate classification.
Comment: This variant is classified as likely benign based on ACMG/AMP sequence variant interpretation guidelines (Richards et al. 2015 PMID: 25741868, with internal and published modifications).